The following is an entry in ClinVar:

NM_004269.4(MED27):c.898C>T (p.Arg300Ter)

Gene: MED27 (mediator complex subunit 27; minus strand). Cytogenetic location: 9q34.13.
Variant type: single nucleotide variant.
Coding change: c.898C>T on transcript NM_004269.4 (MANE Select); coding-DNA position 898, C replaced by T.
Protein change: p.Arg300Ter; replaces arginine 300 with a stop codon.
Molecular consequence: nonsense.
Genome position (GRCh38, 1-based): chr9:131,860,576, G>A on the plus strand (C>T on the coding strand, the complement: MED27 is on the minus strand). VCF-style: chr9-131860576-G-A. GRCh37 (hg19) VCF-style: chr9-134735963-G-A.
Other names: c.790C>T, p.Arg264Ter (NM_001253881.2); c.898C>T (NM_004269.2); short protein forms R264*, R300*.
Identifiers: ClinVar variation 3336059 (VCV003336059.2).
Genomic context (GRCh38, chr9:131,860,576, plus strand): 5'-GAGGCTGGGGCCAGCGTGGGGGCTACTGCCGGCAGGTGTCATGGAAGGCTTCGAGGGTTC[G>A]GAAATCCCTCCATGTCGGGGGAAGGCCGTCCTGCAGAAACTTCCCGCAGCGCTGGCACGG-3'

ClinVar aggregate classification (germline): Uncertain significance. Review status: criteria provided, multiple submitters, no conflicts (2 of 4 stars). 2 submissions from 2 submitters: Uncertain significance (2). Last evaluated 2026-04-27.

Conditions:
Inborn genetic diseases. Identifiers: MedGen C0950123, MeSH D030342.

gnomAD v4.1: 54 of 1,588,692 alleles (0.0034%); highest among the groups gnomAD compares: Non-Finnish European, 0.0042%; no homozygotes.

Submissions (2):

Ambry Genetics
Classification: Uncertain significance for Inborn genetic diseases. Last evaluated: 2026-04-27. Review status: criteria provided, single submitter. Criteria: Ambry Variant Classification Scheme 2023. Collection method: clinical testing. Allele origin: germline.
Comment: The c.898C>T (p.R300*) alteration, located in exon 8 (coding exon 8) of the MED27 gene, consists of a C to T substitution at nucleotide position 898. This changes the amino acid from a arginine (R) to a stop codon at amino acid position 300. Premature stop codons are typically deleterious in nature (Richards, 2015). Based on data from gnomAD, the T allele has an overall frequency of <0.001% (1/214864) total alleles studied. The highest observed frequency was 0.001% (1/94274) of European (non-Finnish) alleles. Based on insufficient or conflicting evidence, the clinical significance of this alteration remains unclear.

Women's Health and Genetics/Laboratory Corporation of America, LabCorp
Classification: Uncertain significance. Last evaluated: 2024-05-09. Review status: criteria provided, single submitter. Criteria: LabCorp Variant Classification Summary - May 2015. Collection method: clinical testing. Allele origin: germline.
Comment: Variant summary: MED27 c.790C>T (p.Arg264X) results in a premature termination codon in the last exon (exon 7), predicted to cause a truncation of the encoded protein, however, nonsense mediated decay is not expected to occur. c.790C>T was found at a frequency of 3.4e-05 in 1588692 control chromosomes. To our knowledge, no occurrence of c.790C>T in individuals affected with Neurodevelopmental Disorder With Spasticity, Cataracts, And Cerebellar Hypoplasia and no experimental evidence demonstrating its impact on protein function have been reported. No submitters have cited clinical-significance assessments for this variant to ClinVar. Based on the evidence outlined above, the variant was classified as uncertain significance.